The following is an entry in ClinVar:

NM_014363.6(SACS):c.1663G>T (p.Glu555Ter)

Gene: SACS (sacsin molecular chaperone; minus strand). Cytogenetic location: 13q12.12.
Variant type: single nucleotide variant.
Coding change: c.1663G>T on transcript NM_014363.6 (MANE Select); coding-DNA position 1663, G replaced by T.
Protein change: p.Glu555Ter; replaces glutamic acid 555 with a stop codon.
Molecular consequence: nonsense.
Genome position (GRCh38, 1-based): chr13:23,354,949, C>A on the plus strand (G>T on the coding strand, the complement: SACS is on the minus strand). VCF-style: chr13-23354949-C-A. GRCh37 (hg19) VCF-style: chr13-23929088-C-A.
Other names: c.1222G>T, p.Glu408Ter (NM_001278055.2); short protein forms E408*, E555*.
Identifiers: ClinVar variation 4061180 (VCV004061180.2).

ClinVar aggregate classification (germline): Likely pathogenic (1 of 4 stars; one submission).

Conditions:
Charlevoix-Saguenay spastic ataxia (SACS). Also called: AUTOSOMAL RECESSIVE SPASTIC ATAXIA OF CHARLEVOIX-SAGUENAY; Spastic ataxia of Charlevoix-Saguenay; SPASTIC ATAXIA 6, AUTOSOMAL RECESSIVE. Identifiers: Orphanet 98, MedGen C1849140, MONDO:0010041, OMIM 270550.

gnomAD v4.1: 1 of 1,614,212 alleles (0.000062%); highest among the groups gnomAD compares: Admixed American, 0.0017%; no homozygotes.

Submission:

Natera, Inc.
Classification: Likely pathogenic for Charlevoix-Saguenay type spastic ataxia. Last evaluated: 2025-01-19. Review status: criteria provided, single submitter. Criteria: Natera Variant Classification Schema (03/2026). Collection method: clinical testing. Allele origin: germline.
Comment: The c.1663G>T variant in SACS is a nonsense variant predicted to introduce a stop codon at amino acid 555. This variant is expected to result in nonsense mediated decay, truncation, or a dysfunctional protein product. This variant is rare in the general population with a frequency below the threshold expected for the associated phenotype(s). Given the available evidence, this variant is classified as Likely Pathogenic.